The following is an entry in ClinVar:

NM_001643.2(APOA2):c.53-43TG[14]

Gene: APOA2 (apolipoprotein A2; minus strand). Cytogenetic location: 1q23.3.
Variant type: Microsatellite.
Coding change: c.53-43TG[14] on transcript NM_001643.2 (MANE Select); 14 copies in a row of the 2-base unit TG starting at c.53-43; the reference has 19 copies in a row; five copies, 10 bases deleted.
Molecular consequence: intron variant.
Genome position (GRCh38, 1-based): chr1:161,223,056-161,223,065, CACACACACA deleted on the plus strand (TGTGTGTGTG on the coding strand, the reverse complement: APOA2 is on the minus strand); deleting any 10 consecutive bases within chr1:161,223,056-161,223,094 gives the same sequence; the position shown is the placement nearest the transcript's 3' end. VCF-style (leftmost placement, unchanged base first): chr1-161223055-CCACACACACA-C. GRCh37 (hg19) VCF-style: chr1-161192845-CCACACACACA-C.
Other names: c.53-15_53-6del10 (NM_001643.1).
Identifiers: ClinVar variation 929172 (VCV000929172.5), dbSNP rs17244502, ClinGen allele CA1209149.

ClinVar aggregate classification (germline): Benign. Review status: criteria provided, single submitter (1 of 4 stars). 4 submissions from 4 submitters: Benign (1). 3 of the submissions do not count toward it. Last evaluated 2019-08-13.

Conditions:
APOA2-related disorder. Also called: APOA2-related condition.

Submissions (4):

Women's Health and Genetics/Laboratory Corporation of America, LabCorp
Classification: Benign. Last evaluated: 2019-08-13. Review status: criteria provided, single submitter. Criteria: LabCorp Variant Classification Summary - May 2015. Collection method: clinical testing. Allele origin: germline.
Comment: Variant summary: APOA2 c.53-15_53-6delTGTGTGTGTG alters a nucleotide located close to a canonical splice site and therefore could affect mRNA splicing, leading to a significantly altered protein sequence. 5/5 computational tools predict no significant impact on normal splicing. However, these predictions have yet to be confirmed by functional studies. The variant allele was found at a frequency of 0.13 in 195520 control chromosomes, predominantly at a frequency of 0.18 within the East Asian subpopulation in the gnomAD database, including 17 homozygotes. The observed variant frequency within East Asian control individuals in the gnomAD database is approximately 9000-fold of the estimated maximal expected allele frequency for a pathogenic variant in APOA2 causing Early Onset Coronary Artery Disease phenotype (2e-05), strongly suggesting that the variant is a benign polymorphism. The variant is located in a highly polymorphic region consisting of a run of TG dinucleotide sequences. No clinical diagnostic laboratories have submitted clinical-significance assessments for this variant to ClinVar after 2014. Based on the evidence outlined above, the variant was classified as benign.

PreventionGenetics, part of Exact Sciences
Classification: Benign for APOA2-related condition. Last evaluated: 2019-03-01. Review status: no assertion criteria provided. Collection method: clinical testing. Allele origin: germline. Not counted in ClinVar's aggregate classification.
Comment: This variant is classified as benign based on ACMG/AMP sequence variant interpretation guidelines (Richards et al. 2015 PMID: 25741868, with internal and published modifications).

Clinical Genetics DNA and cytogenetics Diagnostics Lab, Erasmus MC, Erasmus Medical Center
Classification: Likely benign. Review status: no assertion criteria provided. Collection method: clinical testing. Allele origin: germline. Affected: yes. Study: VKGL Data-share Consensus. Not counted in ClinVar's aggregate classification.

Genome Diagnostics Laboratory, University Medical Center Utrecht
Classification: Benign. Review status: no assertion criteria provided. Collection method: clinical testing. Allele origin: germline. Affected: yes. Study: VKGL Data-share Consensus. Not counted in ClinVar's aggregate classification.